The following is an entry in ClinVar:

ClinVar aggregate classification (germline): Likely benign. Review status: criteria provided, multiple submitters, no conflicts (2 of 4 stars). 2 submissions from 2 submitters: Likely benign (2). Last evaluated 2026-07-06.

Conditions:
Rhabdoid tumor predisposition syndrome 2 (RTPS2). Identifiers: Orphanet 231108, Orphanet 69077, MedGen C2750074, MONDO:0013224, OMIM 613325.

Allele frequency attached by ClinVar (database versions not stated): gnomAD exomes 0.00001; gnomAD 0.00001; ExAC 0.00002.
gnomAD v4.1: 10 of 1,611,742 alleles (0.00062%); highest among the groups gnomAD compares: South Asian, 0.0066%; no homozygotes.

Submissions (2):

Myriad Genetics, Inc.
Classification: Likely benign for Rhabdoid tumor predisposition syndrome 2. Last evaluated: 2026-07-06. Review status: criteria provided, single submitter. Criteria: Myriad Autosomal Dominant, Autosomal Recessive and X-Linked Classification Criteria (2023). Collection method: clinical testing. Allele origin: unknown.
Comment: This variant is considered likely benign. This variant is intronic and is not expected to impact mRNA splicing.

Labcorp Genetics (formerly Invitae), Labcorp
Classification: Likely benign for Rhabdoid tumor predisposition syndrome 2. Last evaluated: 2025-12-24. Review status: criteria provided, single submitter. Criteria: Invitae Variant Classification Sherloc (09022015). Collection method: clinical testing. Allele origin: germline.

NM_003072.5(SMARCA4):c.1118+9G>A

Gene: SMARCA4 (SWI/SNF related BAF chromatin remodeling complex subunit ATPase 4; plus strand). Cytogenetic location: 19p13.2.
Variant type: single nucleotide variant.
Coding change: c.1118+9G>A on transcript NM_003072.5 (MANE Select); 9 bases into the intron after coding-DNA position 1118, G replaced by A.
Molecular consequence: intron variant.
Genome position (GRCh38, 1-based): chr19:10,987,933, G>A. VCF-style: chr19-10987933-G-A. GRCh37 (hg19) VCF-style: chr19-11098609-G-A.
Other names: c.1118+9G>A (NM_001374457.1, NM_001128845.2, NM_001128846.2 and 5 more transcripts).
Identifiers: ClinVar variation 470228 (VCV000470228.11), dbSNP rs779489771, ClinGen allele CA9203679.